The following is an entry in ClinVar:

ClinVar aggregate classification (germline): Uncertain significance (1 of 4 stars; one submission).

Conditions:
Immunodeficiency, common variable, 1. Also called: ANTIBODY DEFICIENCY DUE TO ICOS DEFECT. Identifiers: Orphanet 1572, Orphanet 695183, MedGen C3149378, MONDO:0011864, OMIM 607594.

Submission:

Baylor Genetics
Classification: Uncertain significance for Immunodeficiency, common variable, 1. Last evaluated: 2019-12-19. Review status: criteria provided, single submitter. Criteria: ACMG Guidelines, 2015. Collection method: clinical testing. Allele origin: unknown. Affected: yes.
Comment: This variant was determined to be of uncertain significance according to ACMG Guidelines, 2015 [PMID:25741868].

NM_012092.4(ICOS):c.129A>T (p.Lys43Asn)

Gene: ICOS (inducible T cell costimulator; plus strand). Cytogenetic location: 2q33.2.
Variant type: single nucleotide variant.
Coding change: c.129A>T on transcript NM_012092.4 (MANE Select); coding-DNA position 129, A replaced by T.
Protein change: p.Lys43Asn; replaces lysine 43 with asparagine.
Molecular consequence: missense variant.
Genome position (GRCh38, 1-based): chr2:203,955,706, A>T. VCF-style: chr2-203955706-A-T. GRCh37 (hg19) VCF-style: chr2-204820429-A-T.
Other names: short protein forms K43N.
Identifiers: ClinVar variation 1031176 (VCV001031176.1), dbSNP rs1690065667, ClinGen allele CA350139701.